The following is an entry in ClinVar:

NM_000492.4(CFTR):c.1210-6T>A

Genes: CFTR (CF transmembrane conductance regulator; plus strand), CFTR-AS1 (CFTR antisense RNA 1; minus strand). Cytogenetic location: 7q31.2.
Variant type: single nucleotide variant.
Coding change: c.1210-6T>A on transcript NM_000492.4 (MANE Select); 6 bases into the intron before coding-DNA position 1210, T replaced by A.
Molecular consequence: intron variant.
Genome position (GRCh38, 1-based): chr7:117,548,635, T>A. VCF-style: chr7-117548635-T-A. GRCh37 (hg19) VCF-style: chr7-117188689-T-A.
Identifiers: ClinVar variation 810947 (VCV000810947.15), dbSNP rs763339686, ClinGen allele CA4450953.

ClinVar aggregate classification (germline): Conflicting classifications of pathogenicity. Review status: criteria provided, conflicting classifications (1 of 4 stars). 5 submissions from 5 submitters: Uncertain significance (3); Likely benign (1). 1 of the submissions does not count toward it. Last evaluated 2025-06-18.

Conditions:
Bronchiectasis with or without elevated sweat chloride 1 (BESC1). Also called: Cystic Fibrosis-Like Syndrome. Identifiers: Orphanet 60033, MedGen C2749757, MONDO:0008887, OMIM 211400.
Cystic fibrosis (CF). Also called: MUCOVISCIDOSIS. Identifiers: Orphanet 586, MedGen C0010674, MONDO:0009061, OMIM 219700. Disease mechanism: loss of function.
Hereditary pancreatitis (PCTT). Also called: Hereditary chronic pancreatitis; PRSS1-Related Hereditary Pancreatitis. Identifiers: Orphanet 676, MedGen C0238339, MONDO:0008185, OMIM 167800.
Congenital bilateral aplasia of vas deferens from CFTR mutation (CBAVD). Identifiers: Orphanet 48, MedGen C0403814, MONDO:0010178, OMIM 277180. Disease mechanism: loss of function.
CFTR-related disorder (CFTR-RD). Also called: CFTR-related condition; CFTR-related disorders. Identifiers: MedGen C5924204, MONDO:7770004.

Allele frequency attached by ClinVar (database versions not stated): TOPMed 0.00002; gnomAD 0.00001 and below 0.00001; gnomAD exomes 0.00004 and 0.00003; ExAC 0.00007.
gnomAD v4.1: 46 of 1,611,650 alleles (0.0029%); highest among the groups gnomAD compares: South Asian, 0.047%; no homozygotes.

Submissions (5):

Quest Diagnostics Nichols Institute San Juan Capistrano
Classification: Uncertain significance. Last evaluated: 2025-06-18. Review status: criteria provided, single submitter. Criteria: Quest Diagnostics criteria. Collection method: clinical testing. Allele origin: unknown.
Comment: The CFTR c.1210-6T>A variant has been reported in the published literature in patients with congenital bilateral absence of the vas deferens (PMID: 30811104 (2019)), and another with cystic fibrosis (PMID: 35857025 (2020)). The frequency of this variant in the general population (Genome Aggregation Database) is uninformative in the assessment of its pathogenicity. Analysis of this variant using software algorithms for the prediction of the effect of nucleotide changes on CFTR mRNA splicing yielded inconclusive findings. Based on the available information, we are unable to determine the clinical significance of this variant.

Ambry Genetics
Classification: Uncertain significance for Cystic fibrosis. Last evaluated: 2023-08-21. Review status: criteria provided, single submitter. Criteria: Ambry Variant Classification Scheme 2023. Collection method: clinical testing. Allele origin: germline.
Comment: The c.1210-6T>A intronic variant results from a T to A substitution 6 nucleotides upstream from coding exon 10 in the CFTR gene. This nucleotide position is not well conserved in available vertebrate species. In silico splice site analysis predicts that this alteration will not have any significant effect on splicing. Since supporting evidence is limited at this time, the clinical significance of this alteration remains unclear.

ARUP Laboratories, Molecular Genetics and Genomics, ARUP Laboratories
Classification: Likely benign. Last evaluated: 2018-12-06. Review status: criteria provided, single submitter. Criteria: ARUP Molecular Germline Variant Investigation Process. Collection method: clinical testing. Allele origin: germline.

Juno Genomics, Hangzhou Juno Genomics, Inc
Classification: Uncertain significance for Bronchiectasis with or without elevated sweat chloride 1; Hereditary pancreatitis; Congenital bilateral aplasia of vas deferens from CFTR mutation; Cystic fibrosis. Review status: criteria provided, single submitter. Criteria: ACMG Guidelines, 2015. Collection method: clinical testing. Allele origin: germline. Affected: yes.
Comment: Absent from controls (or at extremely low frequency if recessive) in Genome Aggregation Database, Exome Sequencing Project, 1000 Genomes Project, or Exome Aggregation Consortium.;For recessive disorders, detected in trans with a pathogenic variant.;Patient's phenotype or family history is highly specific for a disease with a single genetic etiology.

PreventionGenetics, part of Exact Sciences
Classification: Likely benign for CFTR-related condition. Last evaluated: 2021-09-13. Review status: no assertion criteria provided. Collection method: clinical testing. Allele origin: germline. Not counted in ClinVar's aggregate classification.
Comment: This variant is classified as likely benign based on ACMG/AMP sequence variant interpretation guidelines (Richards et al. 2015 PMID: 25741868, with internal and published modifications).

Literature cited by the submitters: PubMed 35857025 (cited by Quest Diagnostics Nichols Institute San Juan Capistrano); PubMed 30811104 (cited by Quest Diagnostics Nichols Institute San Juan Capistrano and Ambry Genetics).